The following is an entry in ClinVar:

ClinVar aggregate classification (germline): Benign/Likely benign. Review status: criteria provided, multiple submitters, no conflicts (2 of 4 stars). 4 submissions from 4 submitters: Benign (1); Likely benign (2). 1 of the submissions does not count toward it. Last evaluated 2025-07-14.

Conditions:
WNT7A-related disorder. Also called: WNT7A-related condition.

Allele frequency attached by ClinVar (database versions not stated): ESP Exome Variant Server 0.00238; gnomAD 0.00248 and 0.00272; 1000 Genomes Project 0.00280; TOPMed 0.00283; 1000 Genomes Project 30x 0.00344.

Submissions (4):

Labcorp Genetics (formerly Invitae), Labcorp
Classification: Benign. Last evaluated: 2025-07-14. Review status: criteria provided, single submitter. Criteria: Invitae Variant Classification Sherloc (09022015). Collection method: clinical testing. Allele origin: germline.

Blueprint Genetics
Classification: Likely benign. Last evaluated: 2024-11-13. Review status: criteria provided, single submitter. Criteria: ACMG Guidelines, 2015. Collection method: clinical testing. Allele origin: germline.

Eurofins Ntd Llc (ga)
Classification: Likely benign. Last evaluated: 2015-07-28. Review status: criteria provided, single submitter. Criteria: EGL Classification Definitions 2015. Collection method: clinical testing. Allele origin: germline. Observed: 1 variant allele, 1 heterozygote.

PreventionGenetics, part of Exact Sciences
Classification: Benign for WNT7A-related condition. Last evaluated: 2019-05-10. Review status: no assertion criteria provided. Collection method: clinical testing. Allele origin: germline. Not counted in ClinVar's aggregate classification.
Comment: This variant is classified as benign based on ACMG/AMP sequence variant interpretation guidelines (Richards et al. 2015 PMID: 25741868, with internal and published modifications).

NM_004625.4(WNT7A):c.75C>T (p.Gly25=)

Gene: WNT7A (Wnt family member 7A; minus strand). Cytogenetic location: 3p25.1.
Variant type: single nucleotide variant.
Coding change: c.75C>T on transcript NM_004625.4 (MANE Select); coding-DNA position 75, C replaced by T.
Protein change: p.Gly25=; no amino-acid change (glycine 25 retained).
Molecular consequence: synonymous variant.
Genome position (GRCh38, 1-based): chr3:13,875,170, G>A on the plus strand (C>T on the coding strand, the complement: WNT7A is on the minus strand). VCF-style: chr3-13875170-G-A. GRCh37 (hg19) VCF-style: chr3-13916667-G-A.
Identifiers: ClinVar variation 281770 (VCV000281770.16), dbSNP rs35103037, ClinGen allele CA2266565.